The following is an entry in ClinVar:

NM_000175.5(GPI):c.1022A>G (p.Tyr341Cys)

Gene: GPI (glucose-6-phosphate isomerase; plus strand). Cytogenetic location: 19q13.11.
Variant type: single nucleotide variant.
Coding change: c.1022A>G on transcript NM_000175.5 (MANE Select); coding-DNA position 1022, A replaced by G.
Protein change: p.Tyr341Cys; replaces tyrosine 341 with cysteine.
Molecular consequence: missense variant.
Genome position (GRCh38, 1-based): chr19:34,394,026, A>G. VCF-style: chr19-34394026-A-G. GRCh37 (hg19) VCF-style: chr19-34884931-A-G.
Other names: p.Tyr341Cys; c.1022A>G (NM_000175.4); c.1055A>G, p.Tyr352Cys (NM_001184722.1); c.1139A>G, p.Tyr380Cys (NM_001289789.1); c.938A>G, p.Tyr313Cys (NM_001289790.3); c.1022A>G, p.Tyr341Cys (NM_001329909.1, NM_001329910.1, NM_001329911.2); short protein forms Y313C, Y341C, Y352C, Y380C.
Identifiers: ClinVar variation 2432252 (VCV002432252.5), dbSNP rs373311425, ClinGen allele CA9367317.
Genomic context (GRCh38, chr19:34,394,026, plus strand): 5'-CCCTGCTGGGTATCTGGTACATCAACTGCTTTGGGTGTGAGACACACGCCATGCTGCCCT[A>G]TGACCAGTACCTGCACCGCTTTGCTGCGTACTTCCAGCAGGTACCAGCTGCCAAGCCAGG-3'
Protein context (NP_000166.2, residues 331-351): FGCETHAMLP[Tyr341Cys]DQYLHRFAAY

ClinVar aggregate classification (germline): Conflicting classifications of pathogenicity. Review status: criteria provided, conflicting classifications (1 of 4 stars). 3 submissions from 3 submitters: Likely pathogenic (1); Uncertain significance (2). Last evaluated 2025-05-29.

Conditions:
Hemolytic anemia due to glucophosphate isomerase deficiency (CNSHA4). Also called: ANEMIA, CONGENITAL, NONSPHEROCYTIC HEMOLYTIC, 4. Identifiers: Orphanet 712, MedGen C0272064, MONDO:0013275, OMIM 613470.

Allele frequency attached by ClinVar (database versions not stated): gnomAD exomes 0.00001; ESP Exome Variant Server 0.00008; gnomAD 0.00003; ExAC 0.00005; TOPMed 0.00005.

Submissions (3):

Revvity Omics, Revvity
Classification: Uncertain significance for Hemolytic anemia due to glucophosphate isomerase deficiency. Last evaluated: 2025-05-29. Review status: criteria provided, single submitter. Criteria: ACMG Guidelines, 2015. Collection method: clinical testing. Allele origin: germline.

Center for Genomic Medicine, Rigshospitalet, Copenhagen University Hospital
Classification: Likely pathogenic. Last evaluated: 2025-03-04. Review status: criteria provided, single submitter. Criteria: ACMG Guidelines, 2015. Collection method: clinical testing. Allele origin: germline.
Comment: Classification criteria: PM2_Supporting, PP3_Strong, PP4

Mayo Clinic Laboratories, Mayo Clinic
Classification: Uncertain significance. Last evaluated: 2022-06-09. Review status: criteria provided, single submitter. Criteria: ACMG Guidelines, 2015. Collection method: clinical testing. Allele origin: germline. Observed: 1 variant allele.
Comment: PP3, PM1, PM2